The following is an entry in ClinVar:

NM_020779.4(WDR35):c.*601A>G

Gene: WDR35 (WD repeat domain 35; minus strand). Cytogenetic location: 2p24.1.
Variant type: single nucleotide variant.
Coding change: c.*601A>G on transcript NM_020779.4 (MANE Select); 601 bases downstream of the stop codon, A replaced by G.
Molecular consequence: 3 prime UTR variant.
Genome position (GRCh38, 1-based): chr2:19,912,957, T>C on the plus strand (A>G on the coding strand, the complement: WDR35 is on the minus strand). VCF-style: chr2-19912957-T-C. GRCh37 (hg19) VCF-style: chr2-20112718-T-C.
Other names: c.*601A>G (NM_001006657.2).
Identifiers: ClinVar variation 333360 (VCV000333360.5), dbSNP rs182037850, ClinGen allele CA10611905.

ClinVar aggregate classification (germline): Likely benign. Review status: criteria provided, single submitter (1 of 4 stars). 2 submissions from 1 submitter: Likely benign (2). Last evaluated 2018-01-12.

Conditions:
Short-rib thoracic dysplasia 7 with or without polydactyly (SRTD7). Also called: Short rib polydactyly syndrome 5; SHORT-RIB THORACIC DYSPLASIA 7 WITH POLYDACTYLY. Identifiers: Orphanet 498497, Orphanet 93271, MedGen C3279792, MONDO:0013569, OMIM 614091.
Cranioectodermal dysplasia 2 (CED2). Identifiers: Orphanet 1515, MedGen C3150874, MONDO:0013323, OMIM 613610.

Allele frequency attached by ClinVar (database versions not stated): 1000 Genomes Project 0.00060; 1000 Genomes Project 30x 0.00062; gnomAD 0.00146 and 0.00149; TOPMed 0.00159.

Submissions (2):

Illumina Laboratory Services, Illumina
Classification: Likely benign for Cranioectodermal dysplasia 2. Last evaluated: 2018-01-12. Review status: criteria provided, single submitter. Criteria: ICSL Variant Classification Criteria 13 December 2019. Collection method: clinical testing. Allele origin: germline.
Comment: This variant was observed in the ICSL laboratory as part of a predisposition screen in an ostensibly healthy population. It had not been previously curated by ICSL or reported in the Human Gene Mutation Database (HGMD: prior to June 1st, 2018), and was therefore a candidate for classification through an automated scoring system. Utilizing variant allele frequency, disease prevalence and penetrance estimates, and inheritance mode, an automated score was calculated to assess if this variant is too frequent to cause the disease. Based on the score and internal cut-off values, a variant classified as likely benign is not then subjected to further curation. The score for this variant resulted in a classification of likely benign for this disease.

Illumina Laboratory Services, Illumina
Classification: Likely benign for Short-rib thoracic dysplasia 7 with or without polydactyly. Last evaluated: 2018-01-12. Review status: criteria provided, single submitter. Criteria: ICSL Variant Classification Criteria 13 December 2019. Collection method: clinical testing. Allele origin: germline.
Comment: the same text as in the submission from Illumina Laboratory Services, Illumina above.